The following is an entry in ClinVar:

ClinVar aggregate classification (germline): Pathogenic (1 of 4 stars; one submission).

Submission:

Quest Diagnostics Nichols Institute San Juan Capistrano
Classification: Pathogenic. Last evaluated: 2019-06-06. Review status: criteria provided, single submitter. Criteria: Quest Diagnostics criteria. Collection method: clinical testing. Allele origin: germline.
Comment: The variant results in a shift of the reading frame, and is therefore predicted to result in the loss of a functional protein. Found in at least one symptomatic patient, and not found in general population data.

NM_000059.4(BRCA2):c.8914_8917dup (p.Arg2973fs)

Gene: BRCA2 (BRCA2 DNA repair associated; plus strand). Cytogenetic location: 13q13.1.
Variant type: Duplication.
Coding change: c.8914_8917dup on transcript NM_000059.4 (MANE Select); coding-DNA positions 8914 to 8917, 4 bases duplicated (TTGC; older notation c.8914_8917dupTTGC).
Protein change: p.Arg2973fs; shifts the reading frame from arginine 2973.
Molecular consequence: frameshift variant.
Genome position (GRCh38, 1-based): chr13:32,379,476-32,379,479, TTGC duplicated. VCF-style (leftmost placement, unchanged base first): chr13-32379475-G-GTTGC. GRCh37 (hg19) VCF-style: chr13-32953612-G-GTTGC.
Other names: short protein forms R2973fs.
Identifiers: ClinVar variation 801126 (VCV000801126.2), dbSNP rs1593936898, ClinGen allele CA915948613.